The following is an entry in ClinVar:

NM_001330311.2(DVL1):c.1054+5G>T

Gene: DVL1 (dishevelled segment polarity protein 1; minus strand). Cytogenetic location: 1p36.33.
Variant type: single nucleotide variant.
Coding change: c.1054+5G>T on transcript NM_001330311.2 (MANE Select); 5 bases into the intron after coding-DNA position 1054, G replaced by T.
Molecular consequence: intron variant.
Genome position (GRCh38, 1-based): chr1:1,339,577, C>A on the plus strand (G>T on the coding strand, the complement: DVL1 is on the minus strand). VCF-style: chr1-1339577-C-A. GRCh37 (hg19) VCF-style: chr1-1274957-C-A.
Other names: c.1054+5G>T (NM_004421.3).
Identifiers: ClinVar variation 3342831 (VCV003342831.1).
Genomic context (GRCh38, chr1:1,339,577, plus strand): 5'-GAGGCCTTCAGGCTAGGTAGGCGCCCCCTCCCCATCCCGCCCCGTGTGCCCCGAGGGCCA[C>A]TCACCCCGTGGGACGGTGAAGTAGCTTCGGGGCGTTGGGTCCCAGCACTTGGCCACAGTG-3'

ClinVar aggregate classification (germline): Uncertain significance (1 of 4 stars; one submission).

gnomAD v4.1: 4 of 1,604,880 alleles (0.00025%); highest among the groups gnomAD compares: Non-Finnish European, 0.00034%; no homozygotes.

Submission:

GeneDx
Classification: Uncertain significance. Last evaluated: 2023-05-23. Review status: criteria provided, single submitter. Criteria: GeneDx Variant Classification Process June 2021. Collection method: clinical testing. Allele origin: germline. Affected: yes.
Comment: Not observed at significant frequency in large population cohorts (gnomAD); In silico analysis is inconclusive as to whether the variant alters gene splicing. In the absence of RNA/functional studies, the actual effect of this sequence change is unknown.; Has not been previously published as pathogenic or benign to our knowledge